The following is an entry in ClinVar:

NM_003922.4(HERC1):c.2412T>C (p.Leu804=)

Gene: HERC1 (HECT and RLD domain containing E3 ubiquitin protein ligase family member 1; minus strand). Cytogenetic location: 15q22.31.
Variant type: single nucleotide variant.
Coding change: c.2412T>C on transcript NM_003922.4 (MANE Select); coding-DNA position 2412, T replaced by C.
Protein change: p.Leu804=; no amino-acid change (leucine 804 retained).
Molecular consequence: synonymous variant.
Genome position (GRCh38, 1-based): chr15:63,747,026, A>G on the plus strand (T>C on the coding strand, the complement: HERC1 is on the minus strand). VCF-style: chr15-63747026-A-G. GRCh37 (hg19) VCF-style: chr15-64039225-A-G.
Identifiers: ClinVar variation 4980041 (VCV004980041.1).

ClinVar aggregate classification (germline): Likely benign (1 of 4 stars; one submission).

Conditions:
HERC1-related disorder. Also called: HERC1-related condition.

gnomAD v4.1: 87 of 1,593,506 alleles (0.0055%); highest among the groups gnomAD compares: Non-Finnish European, 0.0072%; no homozygotes.

Submission:

PreventionGenetics, part of Exact Sciences
Classification: Likely benign for HERC1-related condition. Last evaluated: 2024-12-05. Review status: criteria provided, single submitter. Criteria: ACMG Guidelines, 2015. Collection method: clinical testing. Allele origin: germline.
Comment: This variant is classified as likely benign based on ACMG/AMP sequence variant interpretation guidelines (Richards et al. 2015 PMID: 25741868, with internal and published modifications).